The following is an entry in ClinVar:

NM_000553.6(WRN):c.1478A>T (p.Lys493Ile)

Gene: WRN (WRN RecQ like helicase; plus strand). Cytogenetic location: 8p12.
Variant type: single nucleotide variant.
Coding change: c.1478A>T on transcript NM_000553.6 (MANE Select); coding-DNA position 1478, A replaced by T.
Protein change: p.Lys493Ile; replaces lysine 493 with isoleucine.
Molecular consequence: missense variant.
Genome position (GRCh38, 1-based): chr8:31,087,822, A>T. VCF-style: chr8-31087822-A-T. GRCh37 (hg19) VCF-style: chr8-30945338-A-T.
Other names: short protein forms K493I.
Identifiers: ClinVar variation 579859 (VCV000579859.4), dbSNP rs1563342990, ClinGen allele CA370924363.

ClinVar aggregate classification (germline): Uncertain significance (1 of 4 stars; one submission).

Conditions:
Werner syndrome (WRN). Identifiers: Orphanet 902, MedGen C0043119, MONDO:0010196, OMIM 277700.

Submission:

Labcorp Genetics (formerly Invitae), Labcorp
Classification: Uncertain significance for Werner syndrome. Last evaluated: 2018-05-09. Review status: criteria provided, single submitter. Criteria: Invitae Variant Classification Sherloc (09022015). Collection method: clinical testing. Allele origin: germline.
Comment: In summary, the available evidence is currently insufficient to determine the role of this variant in disease. Therefore, it has been classified as a Variant of Uncertain Significance. Algorithms developed to predict the effect of missense changes on protein structure and function do not agree on the potential impact of this missense change (SIFT: "Tolerated"; PolyPhen-2: "Possibly Damaging"; Align-GVGD: "Class C0"). This variant has not been reported in the literature in individuals with WRN-related disease. This variant is not present in population databases (ExAC no frequency). This sequence change replaces lysine with isoleucine at codon 493 of the WRN protein (p.Lys493Ile). The lysine residue is weakly conserved and there is a moderate physicochemical difference between lysine and isoleucine.